The following is an entry in ClinVar:

NM_001211.6(BUB1B):c.1063C>G (p.Pro355Ala)

Gene: BUB1B (BUB1 mitotic checkpoint serine/threonine kinase B; plus strand). Cytogenetic location: 15q15.1.
Variant type: single nucleotide variant.
Coding change: c.1063C>G on transcript NM_001211.6 (MANE Select); coding-DNA position 1063, C replaced by G.
Protein change: p.Pro355Ala; replaces proline 355 with alanine.
Molecular consequence: missense variant.
Genome position (GRCh38, 1-based): chr15:40,196,549, C>G. VCF-style: chr15-40196549-C-G. GRCh37 (hg19) VCF-style: chr15-40488750-C-G.
Other names: short protein forms P355A.
Identifiers: ClinVar variation 3483256 (VCV003483256.1).

ClinVar aggregate classification (germline): Uncertain significance (1 of 4 stars; one submission).

Conditions:
Inborn genetic diseases. Identifiers: MedGen C0950123, MeSH D030342.

Submission:

Ambry Genetics
Classification: Uncertain significance for Inborn genetic diseases. Last evaluated: 2024-12-08. Review status: criteria provided, single submitter. Criteria: Ambry Variant Classification Scheme 2023. Collection method: clinical testing. Allele origin: germline.
Comment: The p.P355A variant (also known as c.1063C>G), located in coding exon 9 of the BUB1B gene, results from a C to G substitution at nucleotide position 1063. The proline at codon 355 is replaced by alanine, an amino acid with highly similar properties. This amino acid position is conserved. In addition, this alteration is predicted to be tolerated by in silico analysis. Based on the available evidence, the clinical significance of this variant remains unclear.